The following is an entry in ClinVar:

ClinVar aggregate classification (germline): Benign (1 of 4 stars; one submission).

Allele frequency attached by ClinVar (database versions not stated): gnomAD exomes 0.70891; TOPMed 0.75788; gnomAD 0.74707 and 0.74583; 1000 Genomes Project 0.79812; 1000 Genomes Project 30x 0.80606.
gnomAD v4.1: 611,021 of 852,696 alleles (72%); highest among the groups gnomAD compares: African/African-American, 84%; 220,336 homozygotes.

Submissions (4):

GeneDx
Classification: Benign. Last evaluated: 2018-06-14. Review status: criteria provided, single submitter. Criteria: GeneDx Variant Classification (06012015). Collection method: clinical testing. Allele origin: germline. Affected: yes.
Comment: This variant is considered likely benign or benign based on one or more of the following criteria: it is a conservative change, it occurs at a poorly conserved position in the protein, it is predicted to be benign by multiple in silico algorithms, and/or has population frequency not consistent with disease.

Dr. Peter K. Rogan Lab, Western University
No classification provided (evidence only). Condition: Malignant lymphoma, large B-cell, diffuse. Review status: no classification provided. Collection method: in vitro. Allele origin: not applicable. Functional consequence: skipped exon. Not counted in ClinVar's aggregate classification.

Dr. Peter K. Rogan Lab, Western University
No classification provided (evidence only). Condition: Malignant lymphoma, large B-cell, diffuse. Review status: no classification provided. Collection method: in vitro. Allele origin: not applicable. Functional consequence: skipped exon. Not counted in ClinVar's aggregate classification.

Dr. Peter K. Rogan Lab, Western University
No classification provided (evidence only). Condition: Hepatocellular carcinoma. Review status: no classification provided. Collection method: in vitro. Allele origin: not applicable. Functional consequence: skipped exon. Not counted in ClinVar's aggregate classification.

NM_005751.5(AKAP9):c.11417-143T>G

Gene: AKAP9 (A-kinase anchoring protein 9; plus strand). Cytogenetic location: 7q21.2.
Variant type: single nucleotide variant.
Coding change: c.11417-143T>G on transcript NM_005751.5 (MANE Select); 143 bases into the intron before coding-DNA position 11417, T replaced by G.
Molecular consequence: intron variant.
Genome position (GRCh38, 1-based): chr7:92,107,150, T>G. VCF-style: chr7-92107150-T-G. GRCh37 (hg19) VCF-style: chr7-91736464-T-G.
Other names: NC_000007.13:g.91736464T>G; c.11393-143T>G (NM_147185.3); c.6062-143T>G (NM_001379277.1).
Identifiers: ClinVar variation 671003 (VCV000671003.2), dbSNP rs12538678, ClinGen allele CA12674178.